The following is an entry in ClinVar:

NM_005045.4(RELN):c.9973A>G (p.Thr3325Ala)

Genes: SLC26A5-AS1 (SLC26A5 antisense RNA 1; plus strand), RELN (reelin; minus strand). Cytogenetic location: 7q22.1.
Variant type: single nucleotide variant.
Coding change: c.9973A>G on transcript NM_005045.4 (MANE Select); coding-DNA position 9973, A replaced by G.
Protein change: p.Thr3325Ala; replaces threonine 3325 with alanine.
Molecular consequence: missense variant.
Genome position (GRCh38, 1-based): chr7:103,486,207, T>C on the plus strand (A>G on the coding strand, the complement: RELN is on the minus strand). VCF-style: chr7-103486207-T-C. GRCh37 (hg19) VCF-style: chr7-103126654-T-C.
Other names: c.9973A>G (NM_005045.3); c.9973A>G, p.Thr3325Ala (NM_173054.3); short protein forms T3325A.
Identifiers: ClinVar variation 2131498 (VCV002131498.5), dbSNP rs2485698807, ClinGen allele CA368740971.
Genomic context (GRCh38, chr7:103,486,207, plus strand): 5'-GGGCTTGTGACTAATTCTATGTCTGGACTAAAATATGGAGGTTTGGGTACCTTGCTCGAG[T>C]GAGATCCAGAGGCTTGGTAGCTGCTTGCCTGATCTGACAGCCATTAAAGTACAGTGAGTC-3'
Protein context (NP_005036.2, residues 3315-3335): RQAATKPLDL[Thr3325Ala]RASKIMFVLQ

ClinVar aggregate classification (germline): Uncertain significance. Review status: criteria provided, multiple submitters, no conflicts (2 of 4 stars). 2 submissions from 2 submitters: Uncertain significance (2). Last evaluated 2022-09-02.

Conditions:
Norman-Roberts syndrome (LIS2). Also called: Lissencephaly 2 (Norman-Roberts type). Identifiers: Orphanet 89844, MedGen C0796089, MONDO:0009760, OMIM 257320.
Familial temporal lobe epilepsy 7. Identifiers: Orphanet 101046, MedGen C4225327, MONDO:0014639, OMIM 616436.

Allele frequency attached by ClinVar (database versions not stated): gnomAD exomes below 0.00001.
gnomAD v4.1: 1 of 1,613,064 alleles (0.000062%); highest among the groups gnomAD compares: South Asian, 0.0011%; no homozygotes.

Submissions (2):

Victorian Clinical Genetics Services, Murdoch Childrens Research Institute
Classification: Uncertain significance for Familial temporal lobe epilepsy 7. Last evaluated: 2022-09-02. Review status: criteria provided, single submitter. Criteria: ACMG Guidelines, 2015. Collection method: clinical testing. Allele origin: germline. Inheritance: Autosomal dominant inheritance. Affected: yes.
Comment: Based on the classification scheme VCGS_Germline_v1.3.4, this variant is classified as VUS-3B. Following criteria are met: 0102 - Loss of function is a known mechanism of disease in this gene and is associated with familial temporal lobe epilepsy, 7 (ADTLE; MIM#616436), lissencephaly 2 (Norman-Roberts type) (MIM#257320) and autism spectrum disorder (ASD). The mechanism associated with myoclonus dystonia is currently unknown. Gain of function and dominant negative have also been suggested as mechanisms associated with neuronal migration disorders (Riva et al. bioRxiv). (I) 0108 - This gene is associated with both recessive and dominant disease. This gene is associated with autosomal dominant ADTLE (MIM#616436), ASD and myoclonus dystonia and autosomal recessive lissencephaly 2 (Norman-Roberts type) (MIM#257320). It should be noted, however, that one compound heterozygous ASD individual has been reported (PMID: 28419454). More recently, missense variants in this gene have been reported in individuals with neuronal migration disorders encompassing pachygyria, polymicrogyria and heterotopia (Riva et al. bioRxiv). (I) 0112 - The condition associated with this gene has incomplete penetrance. Incomplete penetrance has been reported for ADTLE and ASD (OMIM, PMIDs: 26046367, 27064498). (I) 0200 - Variant is predicted to result in a missense amino acid change from threonine to alanine. (I) 0251 - This variant is heterozygous. (I) 0301 - Variant is absent from gnomAD (both v2 and v3). (SP) 0502 - Missense variant with conflicting in silico predictions and high conservation. (I) 0604 - Variant is not located in an established domain, motif, hotspot or informative constraint region. (I) 0705 - No comparable missense variants have previous evidence for pathogenicity. (I) 0807 - This variant has no previous evidence of pathogenicity. (I) 0905 - No published segregation evidence has been identified for this variant. (I) 1007 - No published functional evidence has been identified for this variant. (I) 1208 - Inheritance information for this variant is not currently available in this individual. (I) Legend: (SP) - Supporting pathogenic, (I) - Information, (SB) - Supporting benign

Labcorp Genetics (formerly Invitae), Labcorp
Classification: Uncertain significance for Familial temporal lobe epilepsy 7; Norman-Roberts syndrome. Last evaluated: 2022-04-28. Review status: criteria provided, single submitter. Criteria: Invitae Variant Classification Sherloc (09022015). Collection method: clinical testing. Allele origin: germline.
Comment: In summary, the available evidence is currently insufficient to determine the role of this variant in disease. Therefore, it has been classified as a Variant of Uncertain Significance. Algorithms developed to predict the effect of missense changes on protein structure and function are either unavailable or do not agree on the potential impact of this missense change (SIFT: "Deleterious"; PolyPhen-2: "Benign"; Align-GVGD: "Class C0"). This variant has not been reported in the literature in individuals affected with RELN-related conditions. This variant is not present in population databases (gnomAD no frequency). This sequence change replaces threonine, which is neutral and polar, with alanine, which is neutral and non-polar, at codon 3325 of the RELN protein (p.Thr3325Ala).

Literature cited by the submitters: PubMed 26046367 (cited by Victorian Clinical Genetics Services, Murdoch Childrens Research Institute); PubMed 27064498 (cited by Victorian Clinical Genetics Services, Murdoch Childrens Research Institute); PubMed 28419454 (cited by Victorian Clinical Genetics Services, Murdoch Childrens Research Institute).